The following is an entry in ClinVar:

ClinVar aggregate classification (germline): Uncertain significance. Review status: criteria provided, multiple submitters, no conflicts (2 of 4 stars). 2 submissions from 2 submitters: Uncertain significance (2). Last evaluated 2024-11-15.

Conditions:
Inborn genetic diseases. Identifiers: MedGen C0950123, MeSH D030342.

Allele frequency attached by ClinVar (database versions not stated): gnomAD 0.00003; TOPMed 0.00003; ExAC 0.00004; gnomAD exomes 0.00004; ESP Exome Variant Server 0.00008.
gnomAD v4.1: 57 of 1,612,938 alleles (0.0035%); highest among the groups gnomAD compares: Non-Finnish European, 0.0047%; no homozygotes.

Submissions (2):

Ambry Genetics
Classification: Uncertain significance for Inborn genetic diseases. Last evaluated: 2024-11-15. Review status: criteria provided, single submitter. Criteria: Ambry Variant Classification Scheme 2023. Collection method: clinical testing. Allele origin: germline.

Labcorp Genetics (formerly Invitae), Labcorp
Classification: Uncertain significance. Last evaluated: 2022-10-13. Review status: criteria provided, single submitter. Criteria: Invitae Variant Classification Sherloc (09022015). Collection method: clinical testing. Allele origin: germline.
Comment: This sequence change replaces arginine, which is basic and polar, with lysine, which is basic and polar, at codon 4103 of the PCLO protein (p.Arg4103Lys). This variant is present in population databases (rs371168503, gnomAD 0.006%). This variant has not been reported in the literature in individuals affected with PCLO-related conditions. Algorithms developed to predict the effect of missense changes on protein structure and function are either unavailable or do not agree on the potential impact of this missense change (SIFT: "Deleterious"; PolyPhen-2: "Not Available"; Align-GVGD: "Class C0"). In summary, the available evidence is currently insufficient to determine the role of this variant in disease. Therefore, it has been classified as a Variant of Uncertain Significance.

NM_033026.6(PCLO):c.12308G>A (p.Arg4103Lys)

Gene: PCLO (piccolo presynaptic cytomatrix protein; minus strand). Cytogenetic location: 7q21.11.
Variant type: single nucleotide variant.
Coding change: c.12308G>A on transcript NM_033026.6 (MANE Select); coding-DNA position 12308, G replaced by A.
Protein change: p.Arg4103Lys; replaces arginine 4103 with lysine.
Molecular consequence: missense variant.
Genome position (GRCh38, 1-based): chr7:82,915,678, C>T on the plus strand (G>A on the coding strand, the complement: PCLO is on the minus strand). VCF-style: chr7-82915678-C-T. GRCh37 (hg19) VCF-style: chr7-82544994-C-T.
Other names: c.12308G>A, p.Arg4103Lys (NM_014510.3); c.12308G>A (NM_033026.5); short protein forms R4103K.
Identifiers: ClinVar variation 2178946 (VCV002178946.2), dbSNP rs371168503, ClinGen allele CA4319396.